The following is an entry in ClinVar:

NM_000057.4(BLM):c.7G>T (p.Ala3Ser)

Gene: BLM (BLM RecQ like helicase; plus strand). Cytogenetic location: 15q26.1.
Variant type: single nucleotide variant.
Coding change: c.7G>T on transcript NM_000057.4 (MANE Select); coding-DNA position 7, G replaced by T.
Protein change: p.Ala3Ser; replaces alanine 3 with serine.
Molecular consequence: missense variant. On other transcripts: 5 prime UTR variant (1).
Genome position (GRCh38, 1-based): chr15:90,747,399, G>T. VCF-style: chr15-90747399-G-T. GRCh37 (hg19) VCF-style: chr15-91290629-G-T.
Other names: c.7G>T, p.Ala3Ser (NM_001287246.2, NM_001287247.2); c.-1285G>T (NM_001287248.2); short protein forms A3S.
Identifiers: ClinVar variation 4725324 (VCV004725324.1).

ClinVar aggregate classification (germline): Uncertain significance (1 of 4 stars; one submission).

Conditions:
Bloom syndrome (BLM). Also called: Bloom-Torre-Machacek syndrome. Identifiers: Orphanet 125, MedGen C0005859, MONDO:0008876, OMIM 210900.

Submission:

Labcorp Genetics (formerly Invitae), Labcorp
Classification: Uncertain significance for Bloom syndrome. Last evaluated: 2025-08-12. Review status: criteria provided, single submitter. Criteria: Invitae Variant Classification Sherloc (09022015). Collection method: clinical testing. Allele origin: germline.
Comment: This sequence change replaces alanine, which is neutral and non-polar, with serine, which is neutral and polar, at codon 3 of the BLM protein (p.Ala3Ser). This variant is not present in population databases (gnomAD no frequency). This variant has not been reported in the literature in individuals affected with BLM-related conditions. An algorithm developed to predict the effect of missense changes on protein structure and function (PolyPhen-2) suggests that this variant is likely to be tolerated. In summary, the available evidence is currently insufficient to determine the role of this variant in disease. Therefore, it has been classified as a Variant of Uncertain Significance.